The following is an entry in ClinVar:

ClinVar aggregate classification (germline): Uncertain significance. Review status: criteria provided, multiple submitters, no conflicts (2 of 4 stars). 3 submissions from 3 submitters: Uncertain significance (2). 1 of the submissions does not count toward it. Last evaluated 2024-11-18.

Conditions:
Familial adenomatous polyposis 1 (FAP1). Also called: POLYPOSIS, ADENOMATOUS INTESTINAL; FAMILIAL ADENOMATOUS POLYPOSIS 1, ATTENUATED. Identifiers: MedGen C2713442, MONDO:0021056, OMIM 175100. Disease mechanism: loss of function.
APC-related disorder. Also called: APC-related condition.

Allele frequency attached by ClinVar (database versions not stated): gnomAD exomes 0.00001; gnomAD 0.00003; TOPMed 0.00003.
gnomAD v4.1: 15 of 1,370,546 alleles (0.0011%); highest among the groups gnomAD compares: South Asian, 0.0061%; no homozygotes.

Submissions (3):

Labcorp Genetics (formerly Invitae), Labcorp
Classification: Uncertain significance for Familial adenomatous polyposis 1. Last evaluated: 2024-11-18. Review status: criteria provided, single submitter. Criteria: Invitae Variant Classification Sherloc (09022015). Collection method: clinical testing. Allele origin: germline.
Comment: This variant occurs in a non-coding region of the APC gene. It does not change the encoded amino acid sequence of the APC protein. This variant is present in population databases (no rsID available, gnomAD 0.004%). This variant has not been reported in the literature in individuals affected with APC-related conditions. ClinVar contains an entry for this variant (Variation ID: 371984). Experimental studies and prediction algorithms are not available or were not evaluated, and the functional significance of this variant is currently unknown. In summary, the available evidence is currently insufficient to determine the role of this variant in disease. Therefore, it has been classified as a Variant of Uncertain Significance.

PreventionGenetics, part of Exact Sciences
Classification: Uncertain significance for APC-related condition. Last evaluated: 2023-03-15. Review status: criteria provided, single submitter. Criteria: ACMG Guidelines, 2015. Collection method: clinical testing. Allele origin: germline.
Comment: The APC c.83G>A variant is predicted to result in the amino acid substitution p.Gly28Asp. To our knowledge, this variant has not been reported in the literature. This variant is reported in 1 of ~135,000 alleles in gnomAD. This variant is interpreted as uncertain significance in ClinVar. At this time, the clinical significance of this variant is uncertain due to the absence of conclusive functional and genetic evidence.

Counsyl
Classification: Uncertain significance for Familial adenomatous polyposis 1. Last evaluated: 2016-09-29. Review status: no assertion criteria provided. Collection method: clinical testing. Allele origin: unknown. Not counted in ClinVar's aggregate classification.

NM_001127511.3(APC):c.83G>A (p.Gly28Asp)

Gene: APC (APC regulator of Wnt signaling pathway; plus strand). Cytogenetic location: 5q22.2.
Variant type: single nucleotide variant.
Coding change: c.83G>A on transcript NM_001127511.3; coding-DNA position 83, G replaced by A.
Protein change: p.Gly28Asp; replaces glycine 28 with aspartic acid.
Molecular consequence: missense variant. On other transcripts: 5 prime UTR variant (8), non-coding transcript variant (1), intron variant (5).
Genome position (GRCh38, 1-based): chr5:112,707,800, G>A. VCF-style: chr5-112707800-G-A. GRCh37 (hg19) VCF-style: chr5-112043497-G-A.
Other names: c.-101G>A (NM_001407452.1, NM_001407456.1, NM_001407460.1 and 3 more transcripts); c.-1136G>A (NM_001407470.1, NM_001407472.1); c.-19+151G>A (NM_001407448.1, NM_001407450.1, NM_001407457.1 and 1 more transcripts); c.-43+151G>A (NM_001407453.1); c.83G>A, p.Gly28Asp (NM_001354897.2, NM_001354902.2, NM_001407446.1); short protein forms G28D.
Identifiers: ClinVar variation 371984 (VCV000371984.11), dbSNP rs1057517606, ClinGen allele CA16042078.